The following is an entry in ClinVar:

NM_030780.5(SLC25A32):c.397A>G (p.Met133Val)

Gene: SLC25A32 (solute carrier family 25 member 32; minus strand). Cytogenetic location: 8q22.3.
Variant type: single nucleotide variant.
Coding change: c.397A>G on transcript NM_030780.5 (MANE Select); coding-DNA position 397, A replaced by G.
Protein change: p.Met133Val; replaces methionine 133 with valine.
Molecular consequence: missense variant. On other transcripts: non-coding transcript variant (2).
Genome position (GRCh38, 1-based): chr8:103,403,319, T>C on the plus strand (A>G on the coding strand, the complement: SLC25A32 is on the minus strand). VCF-style: chr8-103403319-T-C. GRCh37 (hg19) VCF-style: chr8-104415547-T-C.
Other names: short protein forms M133V.
Identifiers: ClinVar variation 1435286 (VCV001435286.6), dbSNP rs762142083, ClinGen allele CA4835476.

ClinVar aggregate classification (germline): Uncertain significance (1 of 4 stars; one submission).

Allele frequency attached by ClinVar (database versions not stated): gnomAD exomes below 0.00001; ExAC 0.00001; gnomAD 0.00001.

Submission:

Labcorp Genetics (formerly Invitae), Labcorp
Classification: Uncertain significance. Last evaluated: 2023-02-14. Review status: criteria provided, single submitter. Criteria: Invitae Variant Classification Sherloc (09022015). Collection method: clinical testing. Allele origin: germline.
Comment: Advanced modeling of protein sequence and biophysical properties (such as structural, functional, and spatial information, amino acid conservation, physicochemical variation, residue mobility, and thermodynamic stability) performed at Invitae indicates that this missense variant is not expected to disrupt SLC25A32 protein function. In summary, the available evidence is currently insufficient to determine the role of this variant in disease. Therefore, it has been classified as a Variant of Uncertain Significance. This sequence change replaces methionine, which is neutral and non-polar, with valine, which is neutral and non-polar, at codon 133 of the SLC25A32 protein (p.Met133Val). This variant is present in population databases (rs762142083, gnomAD 0.005%). ClinVar contains an entry for this variant (Variation ID: 1435286). This variant has not been reported in the literature in individuals affected with SLC25A32-related conditions.